The following is an entry in ClinVar:

ClinVar aggregate classification (germline): Pathogenic (1 of 4 stars; one submission).

Conditions:
Joubert syndrome. Also called: CEREBELLOPARENCHYMAL DISORDER IV; JOUBERT-BOLTSHAUSER SYNDROME; Familial aplasia of the vermis. Identifiers: Orphanet 475, MedGen C5979921, MONDO:0018772.
Meckel-Gruber syndrome. Also called: DYSENCEPHALIA SPLANCHNOCYSTICA; GRUBER SYNDROME; Dysencephalia splachnocystica. Identifiers: Orphanet 564, MedGen C0265215, MONDO:0018921.

Submission:

Labcorp Genetics (formerly Invitae), Labcorp
Classification: Pathogenic for Joubert syndrome; Meckel-Gruber syndrome. Last evaluated: 2023-02-16. Review status: criteria provided, single submitter. Criteria: Invitae Variant Classification Sherloc (09022015). Collection method: clinical testing. Allele origin: germline.
Comment: This variant is not present in population databases (gnomAD no frequency). For these reasons, this variant has been classified as Pathogenic. This variant has not been reported in the literature in individuals affected with RPGRIP1L-related conditions. This sequence change creates a premature translational stop signal (p.Ser260*) in the RPGRIP1L gene. It is expected to result in an absent or disrupted protein product. Loss-of-function variants in RPGRIP1L are known to be pathogenic (PMID: 17558409).

Literature cited by the submitters: PubMed 17558409.

NM_015272.5(RPGRIP1L):c.779C>G (p.Ser260Ter)

Gene: RPGRIP1L (RPGRIP1 like; minus strand). Cytogenetic location: 16q12.2.
Variant type: single nucleotide variant.
Coding change: c.779C>G on transcript NM_015272.5 (MANE Select); coding-DNA position 779, C replaced by G.
Protein change: p.Ser260Ter; replaces serine 260 with a stop codon.
Molecular consequence: nonsense.
Genome position (GRCh38, 1-based): chr16:53,675,120, G>C on the plus strand (C>G on the coding strand, the complement: RPGRIP1L is on the minus strand). VCF-style: chr16-53675120-G-C. GRCh37 (hg19) VCF-style: chr16-53709032-G-C.
Other names: c.779C>G, p.Ser260Ter (NM_001127897.4, NM_001308334.3, NM_001330538.2); short protein forms S260*.
Identifiers: ClinVar variation 2939126 (VCV002939126.3), dbSNP rs199885005, ClinGen allele CA395923303.